The following is an entry in ClinVar:

ClinVar aggregate classification (germline): Uncertain significance. Review status: criteria provided, multiple submitters, no conflicts (2 of 4 stars). 3 submissions from 3 submitters: Uncertain significance (3). Last evaluated 2023-07-21.

Conditions:
Inborn genetic diseases. Identifiers: MedGen C0950123, MeSH D030342.

Allele frequency attached by ClinVar (database versions not stated): gnomAD exomes 0.00001; gnomAD 0.00004; TOPMed 0.00006.
gnomAD v4.1: 11 of 1,611,358 alleles (0.00068%); highest among the groups gnomAD compares: African/African-American, 0.012%; no homozygotes.

Submissions (3):

Women's Health and Genetics/Laboratory Corporation of America, LabCorp
Classification: Uncertain significance. Last evaluated: 2023-07-21. Review status: criteria provided, single submitter. Criteria: LabCorp Variant Classification Summary - May 2015. Collection method: clinical testing. Allele origin: germline.

Ambry Genetics
Classification: Uncertain significance for Inborn genetic diseases. Last evaluated: 2022-09-16. Review status: criteria provided, single submitter. Criteria: Ambry Variant Classification Scheme 2023. Collection method: clinical testing. Allele origin: germline.
Comment: The p.C81F variant (also known as c.242G>T), located in coding exon 2 of the SMAD2 gene, results from a G to T substitution at nucleotide position 242. The cysteine at codon 81 is replaced by phenylalanine, an amino acid with highly dissimilar properties. This amino acid position is conserved. In addition, this alteration is predicted to be deleterious by in silico analysis. Since supporting evidence is limited at this time, the clinical significance of this alteration remains unclear.

Labcorp Genetics (formerly Invitae), Labcorp
Classification: Uncertain significance. Last evaluated: 2021-11-16. Review status: criteria provided, single submitter. Criteria: Invitae Variant Classification Sherloc (09022015). Collection method: clinical testing. Allele origin: germline.
Comment: This sequence change replaces cysteine, which is neutral and slightly polar, with phenylalanine, which is neutral and non-polar, at codon 81 of the SMAD2 protein (p.Cys81Phe). This variant is present in population databases (no rsID available, gnomAD 0.02%). This variant has not been reported in the literature in individuals affected with SMAD2-related conditions. Advanced modeling of protein sequence and biophysical properties (such as structural, functional, and spatial information, amino acid conservation, physicochemical variation, residue mobility, and thermodynamic stability) performed at Invitae indicates that this missense variant is not expected to disrupt SMAD2 protein function. In summary, the available evidence is currently insufficient to determine the role of this variant in disease. Therefore, it has been classified as a Variant of Uncertain Significance.

NM_005901.6(SMAD2):c.242G>T (p.Cys81Phe)

Gene: SMAD2 (SMAD family member 2; minus strand). Cytogenetic location: 18q21.1.
Variant type: single nucleotide variant.
Coding change: c.242G>T on transcript NM_005901.6 (MANE Select); coding-DNA position 242, G replaced by T.
Protein change: p.Cys81Phe; replaces cysteine 81 with phenylalanine.
Molecular consequence: missense variant. On other transcripts: intron variant (1).
Genome position (GRCh38, 1-based): chr18:47,870,559, C>A on the plus strand (G>T on the coding strand, the complement: SMAD2 is on the minus strand). VCF-style: chr18-47870559-C-A. GRCh37 (hg19) VCF-style: chr18-45396930-C-A.
Other names: c.242G>T, p.Cys81Phe (NM_001003652.4); c.237-1123G>T (NM_001135937.3); c.242G>T (NM_005901.5); short protein forms C81F.
Identifiers: ClinVar variation 1467838 (VCV001467838.10), dbSNP rs908853616, ClinGen allele CA300260225.